The following is an entry in ClinVar:

ClinVar aggregate classification (germline): Uncertain significance. Review status: criteria provided, single submitter (1 of 4 stars). 2 submissions from 2 submitters: Uncertain significance (1). 1 of the submissions does not count toward it. Last evaluated 2023-12-17.

Conditions:
RAD51-related disorder. Also called: RAD51-related condition; RAD51-related disorders.
Familial cancer of breast. Also called: Hereditary breast cancer; BREAST CANCER, FAMILIAL; hereditary breast carcinoma. Identifiers: Orphanet 227535, MedGen C0346153, MONDO:0016419, OMIM 114480. Disease mechanism: loss of function.

Allele frequency attached by ClinVar (database versions not stated): TOPMed 0.00026; gnomAD 0.00028.
gnomAD v4.1: 55 of 362,292 alleles (0.015%); highest among the groups gnomAD compares: Middle Eastern, 0.37%; 1 homozygote.

Submissions (2):

St. Jude Molecular Pathology, St. Jude Children's Research Hospital
Classification: Uncertain significance for Familial cancer of breast. Last evaluated: 2023-12-17. Review status: criteria provided, single submitter. Criteria: St. Jude Assertion Criteria 2020. Collection method: clinical testing. Allele origin: germline.
Comment: The RAD51 c.337G>A (p.Gly113Arg) missense change has a maximum subpopulation frequency of 0.062% in gnomAD v2.1.1. The in silico tool REVEL predicts a benign effect on protein function, but to our knowledge this prediction has not been confirmed by functional studies. To our knowledge, this variant has not been reported in individuals with hereditary breast and ovarian cancer. In summary, the evidence currently available is insufficient to determine the clinical significance of this variant. It has therefore been classified as of uncertain significance.

PreventionGenetics, part of Exact Sciences
Classification: Likely benign for RAD51-related condition. Last evaluated: 2023-08-09. Review status: no assertion criteria provided. Collection method: clinical testing. Allele origin: germline. Not counted in ClinVar's aggregate classification.
Comment: This variant is classified as likely benign based on ACMG/AMP sequence variant interpretation guidelines (Richards et al. 2015 PMID: 25741868, with internal and published modifications).

NM_002875.5(RAD51):c.225+716G>A

Gene: RAD51 (RAD51 recombinase; plus strand). Cytogenetic location: 15q15.1.
Variant type: single nucleotide variant.
Coding change: c.225+716G>A on transcript NM_002875.5 (MANE Select); 716 bases into the intron after coding-DNA position 225, G replaced by A.
Molecular consequence: intron variant. On other transcripts: missense variant (2).
Genome position (GRCh38, 1-based): chr15:40,701,917, G>A. VCF-style: chr15-40701917-G-A. GRCh37 (hg19) VCF-style: chr15-40994115-G-A.
Other names: c.337G>A, p.Gly113Arg (NM_001164269.2, NM_133487.4); c.225+716G>A (NM_001164270.2); short protein forms G113R.
Identifiers: ClinVar variation 3041826 (VCV003041826.3), dbSNP rs552810340, ClinGen allele CA268839285.